The following is an entry in ClinVar:

NM_001394372.1(BICRA):c.4148C>T (p.Pro1383Leu)

Gene: BICRA (BRD4 interacting chromatin remodeling complex associated protein; plus strand). Cytogenetic location: 19q13.33.
Variant type: single nucleotide variant.
Coding change: c.4148C>T on transcript NM_001394372.1 (MANE Select); coding-DNA position 4148, C replaced by T.
Protein change: p.Pro1383Leu; replaces proline 1383 with leucine.
Molecular consequence: missense variant.
Genome position (GRCh38, 1-based): chr19:47,701,880, C>T. VCF-style: chr19-47701880-C-T. GRCh37 (hg19) VCF-style: chr19-48205137-C-T.
Other names: c.4148C>T, p.Pro1383Leu (NM_015711.3); short protein forms P1383L.
Identifiers: ClinVar variation 2650187 (VCV002650187.24), dbSNP rs1046197321, ClinGen allele CA309196045.
Genomic context (GRCh38, chr19:47,701,880, plus strand): 5'-TGGACCACCCGCCGCCTGCCGCCCCCGAGCGCAAGCCCCTGGGCACCGCCCCGCACTGCC[C>T]GCGCCTGCCACTGCGCAAGACCTACCGCGAGAACGTGGGGGGCCCTGGCGCGCCGGAGGG-3'
Protein context (NP_001381301.1, residues 1373-1393): RKPLGTAPHC[Pro1383Leu]RLPLRKTYRE

ClinVar aggregate classification (germline): Benign (1 of 4 stars; one submission).

Allele frequency attached by ClinVar (database versions not stated): gnomAD exomes 0.00012; gnomAD 0.00030; TOPMed 0.00031.
gnomAD v4.1: 195 of 1,469,088 alleles (0.013%); highest among the groups gnomAD compares: Admixed American, 0.089%; no homozygotes.

Submission:

CeGaT Center for Human Genetics Tuebingen
Classification: Benign. Last evaluated: 2022-05-01. Review status: criteria provided, single submitter. Criteria: CeGaT Center For Human Genetics Tuebingen Variant Classification Criteria Version 2. Collection method: clinical testing. Allele origin: germline. Affected: yes. Observed: 1 variant allele.
Comment: BICRA: BS1, BS2